The following is an entry in ClinVar:

ClinVar aggregate classification (germline): Uncertain significance (1 of 4 stars; one submission).

Conditions:
Hereditary cancer-predisposing syndrome. Also called: Neoplastic Syndromes, Hereditary; Tumor predisposition; Hereditary Cancer Syndrome; Hereditary neoplastic syndrome. Identifiers: Orphanet 140162, MedGen C0027672, MeSH D009386, MONDO:0015356.

Submission:

Ambry Genetics
Classification: Uncertain significance for Hereditary cancer-predisposing syndrome. Last evaluated: 2025-12-12. Review status: criteria provided, single submitter. Criteria: Ambry Variant Classification Scheme 2023. Collection method: clinical testing. Allele origin: germline.
Comment: The p.L242M variant (also known as c.724C>A), located in coding exon 7 of the EPCAM gene, results from a C to A substitution at nucleotide position 724. The leucine at codon 242 is replaced by methionine, an amino acid with highly similar properties. This amino acid position is conserved. In addition, this alteration is predicted to be tolerated by in silico analysis. Based on the available evidence, the clinical significance of this variant remains unclear.

NM_002354.3(EPCAM):c.724C>A (p.Leu242Met)

Gene: EPCAM (epithelial cell adhesion molecule; plus strand). Cytogenetic location: 2p21.
Variant type: single nucleotide variant.
Coding change: c.724C>A on transcript NM_002354.3 (MANE Select); coding-DNA position 724, C replaced by A.
Protein change: p.Leu242Met; replaces leucine 242 with methionine.
Molecular consequence: missense variant.
Genome position (GRCh38, 1-based): chr2:47,379,835, C>A. VCF-style: chr2-47379835-C-A. GRCh37 (hg19) VCF-style: chr2-47606974-C-A.
Other names: short protein forms L242M.
Identifiers: ClinVar variation 4640508 (VCV004640508.1).